The following is an entry in ClinVar:

ClinVar aggregate classification (germline): Uncertain significance. Review status: criteria provided, multiple submitters, no conflicts (2 of 4 stars). 4 submissions from 4 submitters: Uncertain significance (4). Last evaluated 2026-02-23.

Conditions:
Cardiovascular phenotype. Identifiers: MedGen CN230736.
RASopathy. Also called: rasopathies; Noonan spectrum disorder. Identifiers: Orphanet 536391, MedGen C5555857, MONDO:0021060.

Allele frequency attached by ClinVar (database versions not stated): gnomAD exomes below 0.00001; gnomAD 0.00001; TOPMed 0.00002.
gnomAD v4.1: 2 of 1,613,878 alleles (0.00012%); highest among the groups gnomAD compares: African/African-American, 0.0027%; no homozygotes.

Submissions (4):

GeneDx
Classification: Uncertain significance. Last evaluated: 2026-02-23. Review status: criteria provided, single submitter. Criteria: GeneDx Variant Classification Process June 2021. Collection method: clinical testing. Allele origin: germline.
Comment: In silico analysis supports that this missense variant has a deleterious effect on protein structure/function; Has not been previously published as pathogenic or benign to our knowledge; This variant is associated with the following publications: (PMID: 18034775, 20619386)

Women's Health and Genetics/Laboratory Corporation of America, LabCorp
Classification: Uncertain significance. Last evaluated: 2025-12-11. Review status: criteria provided, single submitter. Criteria: LabCorp Variant Classification Summary - May 2015. Collection method: clinical testing. Allele origin: germline.

Labcorp Genetics (formerly Invitae), Labcorp
Classification: Uncertain significance for RASopathy. Last evaluated: 2025-06-04. Review status: criteria provided, single submitter. Criteria: Invitae Variant Classification Sherloc (09022015). Collection method: clinical testing. Allele origin: germline.
Comment: This sequence change replaces threonine, which is neutral and polar, with alanine, which is neutral and non-polar, at codon 231 of the CBL protein (p.Thr231Ala). This variant is present in population databases (no rsID available, gnomAD 0.007%). This variant has not been reported in the literature in individuals affected with CBL-related conditions. ClinVar contains an entry for this variant (Variation ID: 1359829). Invitae Evidence Modeling of protein sequence and biophysical properties (such as structural, functional, and spatial information, amino acid conservation, physicochemical variation, residue mobility, and thermodynamic stability) has been performed for this missense variant. However, the output from this modeling did not meet the statistical confidence thresholds required to predict the impact of this variant on CBL protein function. In summary, the available evidence is currently insufficient to determine the role of this variant in disease. Therefore, it has been classified as a Variant of Uncertain Significance.

Ambry Genetics
Classification: Uncertain significance for Cardiovascular phenotype. Last evaluated: 2024-12-05. Review status: criteria provided, single submitter. Criteria: Ambry Variant Classification Scheme 2023. Collection method: clinical testing. Allele origin: germline.
Comment: The p.T231A variant (also known as c.691A>G), located in coding exon 4 of the CBL gene, results from an A to G substitution at nucleotide position 691. The threonine at codon 231 is replaced by alanine, an amino acid with similar properties. This amino acid position is conserved. In addition, this alteration is predicted to be deleterious by in silico analysis. Based on the available evidence, the clinical significance of this variant remains unclear.

NM_005188.4(CBL):c.691A>G (p.Thr231Ala)

Gene: CBL (Cbl proto-oncogene; plus strand). Cytogenetic location: 11q23.3.
Variant type: single nucleotide variant.
Coding change: c.691A>G on transcript NM_005188.4 (MANE Select); coding-DNA position 691, A replaced by G.
Protein change: p.Thr231Ala; replaces threonine 231 with alanine.
Molecular consequence: missense variant.
Genome position (GRCh38, 1-based): chr11:119,273,968, A>G. VCF-style: chr11-119273968-A-G. GRCh37 (hg19) VCF-style: chr11-119144678-A-G.
Other names: c.691A>G (NM_005188.2); short protein forms T231A.
Identifiers: ClinVar variation 1359829 (VCV001359829.11), dbSNP rs1457872297, ClinGen allele CA382909543.